The following is an entry in ClinVar:

ClinVar aggregate classification (germline): Uncertain significance (1 of 4 stars; one submission).

Conditions:
Hereditary cancer-predisposing syndrome. Also called: Hereditary Cancer Syndrome; Tumor predisposition; Hereditary neoplastic syndrome; Neoplastic Syndromes, Hereditary. Identifiers: Orphanet 140162, MedGen C0027672, MeSH D009386, MONDO:0015356.

Submission:

Ambry Genetics
Classification: Uncertain significance for Hereditary cancer-predisposing syndrome. Last evaluated: 2024-04-05. Review status: criteria provided, single submitter. Criteria: Ambry Variant Classification Scheme 2023. Collection method: clinical testing. Allele origin: germline.
Comment: The p.V705I variant (also known as c.2113G>A), located in coding exon 8 of the BLM gene, results from a G to A substitution at nucleotide position 2113. The valine at codon 705 is replaced by isoleucine, an amino acid with highly similar properties. This amino acid position is conserved. In addition, this alteration is predicted to be tolerated by in silico analysis. Based on the available evidence, the clinical significance of this variant remains unclear.

NM_000057.4(BLM):c.2113G>A (p.Val705Ile)

Gene: BLM (BLM RecQ like helicase; plus strand). Cytogenetic location: 15q26.1.
Variant type: single nucleotide variant.
Coding change: c.2113G>A on transcript NM_000057.4 (MANE Select); coding-DNA position 2113, G replaced by A.
Protein change: p.Val705Ile; replaces valine 705 with isoleucine.
Molecular consequence: missense variant.
Genome position (GRCh38, 1-based): chr15:90,765,334, G>A. VCF-style: chr15-90765334-G-A. GRCh37 (hg19) VCF-style: chr15-91308564-G-A.
Other names: c.2113G>A, p.Val705Ile (NM_001287246.2, NM_001287247.2); c.988G>A, p.Val330Ile (NM_001287248.2); short protein forms V705I, V330I.
Identifiers: ClinVar variation 3261022 (VCV003261022.1).